The following is an entry in ClinVar:

ClinVar aggregate classification (germline): Uncertain significance (1 of 4 stars; one submission).

Submission:

Ambry Genetics
Classification: Uncertain significance. Last evaluated: 2025-09-02. Review status: criteria provided, single submitter. Criteria: Ambry Variant Classification Scheme 2023. Collection method: clinical testing. Allele origin: germline.
Comment: The p.S622L variant (also known as c.1865C>T), located in coding exon 11 of the PALLD gene, results from a C to T substitution at nucleotide position 1865. The serine at codon 622 is replaced by leucine, an amino acid with dissimilar properties. This amino acid position is conserved. In addition, this alteration is predicted to be tolerated by in silico analysis. Based on the available evidence, the clinical significance of this variant remains unclear.

NM_001166108.2(PALLD):c.*51C>T

Genes: CBR4 (carbonyl reductase 4; minus strand), PALLD (palladin, cytoskeletal associated protein; plus strand). Cytogenetic location: 4q32.3.
Variant type: single nucleotide variant.
Coding change: c.*51C>T on transcript NM_001166108.2 (MANE Select); 51 bases downstream of the stop codon, C replaced by T.
Molecular consequence: 3 prime UTR variant. On other transcripts: missense variant (4).
Genome position (GRCh38, 1-based): chr4:168,926,231, C>T. VCF-style: chr4-168926231-C-T. GRCh37 (hg19) VCF-style: chr4-169847382-C-T.
Other names: c.2180C>T, p.Ser727Leu (NM_001166109.2); c.1865C>T, p.Ser622Leu (NM_001166110.2); c.*51C>T (NM_001367567.1, NM_001367570.1, NM_016081.4); c.1256C>T, p.Ser419Leu (NM_001367568.1); c.1205C>T, p.Ser402Leu (NM_001367569.1); short protein forms S622L, S402L, S419L, S727L.
Identifiers: ClinVar variation 4130452 (VCV004130452.1).
Genomic context (GRCh38, chr4:168,926,231, plus strand): 5'-ATATCTTGATTAAAAATCTTAATTTACTCTTTTTCTTTGTAGCCCAGTGGCATCAGCAGT[C>T]ACAGAGCACCAAGCCAAAAAAAGTACGGCCCTCAGCCAGTCGCTATGCAGCACTTTCGGA-3'